The following is an entry in ClinVar:

NM_020549.5(CHAT):c.1009G>C (p.Val337Leu)

Gene: CHAT (choline O-acetyltransferase; plus strand). Cytogenetic location: 10q11.23.
Variant type: single nucleotide variant.
Coding change: c.1009G>C on transcript NM_020549.5 (MANE Select); coding-DNA position 1009, G replaced by C.
Protein change: p.Val337Leu; replaces valine 337 with leucine.
Molecular consequence: missense variant.
Genome position (GRCh38, 1-based): chr10:49,627,683, G>C. VCF-style: chr10-49627683-G-C. GRCh37 (hg19) VCF-style: chr10-50835729-G-C.
Other names: c.655G>C, p.Val219Leu (NM_001142929.2, NM_001142934.2, NM_020984.4 and 2 more transcripts); c.763G>C, p.Val255Leu (NM_001142933.2); short protein forms V337L, V219L, V255L.
Identifiers: ClinVar variation 461443 (VCV000461443.8), dbSNP rs1462079971, ClinGen allele CA376731182.
Genomic context (GRCh38, chr10:49,627,683, plus strand): 5'-GTTGTCATTAATTTCCGCCGTCTCAGTGAGGGGGATCTGTTCACTCAGTTGAGAAAGATA[G>C]TCAAAATGGCTTCCAACGAGGACGAGCGTTTGCCTCCAATTGGCCTGCTGACGTCTGACG-3'
Protein context (NP_065574.4, residues 327-347): GDLFTQLRKI[Val337Leu]KMASNEDERL

ClinVar aggregate classification (germline): Uncertain significance (1 of 4 stars; one submission).

Conditions:
Familial infantile myasthenia (CMS6). Also called: MYASTHENIC SYNDROME, PRESYNAPTIC, CONGENITAL, ASSOCIATED WITH EPISODIC APNEA; MYASTHENIC SYNDROME, CONGENITAL, 6, PRESYNAPTIC; Congenital myasthenic syndrome type 6. Identifiers: Orphanet 590, MedGen C0393929, MONDO:0009689, OMIM 254210.

Allele frequency attached by ClinVar (database versions not stated): gnomAD exomes below 0.00001; TOPMed 0.00001.
gnomAD v4.1: 3 of 1,614,188 alleles (0.00019%); highest among the groups gnomAD compares: Non-Finnish European, 0.00025%; no homozygotes.

Submission:

Labcorp Genetics (formerly Invitae), Labcorp
Classification: Uncertain significance for Familial infantile myasthenia. Last evaluated: 2018-04-25. Review status: criteria provided, single submitter. Criteria: Invitae Variant Classification Sherloc (09022015). Collection method: clinical testing. Allele origin: germline.
Comment: In summary, the available evidence is currently insufficient to determine the role of this variant in disease. Therefore, it has been classified as a Variant of Uncertain Significance. Algorithms developed to predict the effect of missense changes on protein structure and function (SIFT, PolyPhen-2, Align-GVGD) all suggest that this variant is likely to be tolerated, but these predictions have not been confirmed by published functional studies and their clinical significance is uncertain. This variant has not been reported in the literature in individuals with CHAT-related disease. This variant is not present in population databases (ExAC no frequency). This sequence change replaces valine with leucine at codon 337 of the CHAT protein (p.Val337Leu). The valine residue is moderately conserved and there is a small physicochemical difference between valine and leucine.